The following is an entry in ClinVar:

NM_003579.4(RAD54L):c.22A>C (p.Ser8Arg)

Gene: RAD54L (RAD54 like; plus strand). Cytogenetic location: 1p34.1.
Variant type: single nucleotide variant.
Coding change: c.22A>C on transcript NM_003579.4 (MANE Select); coding-DNA position 22, A replaced by C.
Protein change: p.Ser8Arg; replaces serine 8 with arginine.
Molecular consequence: missense variant. On other transcripts: 5 prime UTR variant (1).
Genome position (GRCh38, 1-based): chr1:46,248,530, A>C. VCF-style: chr1-46248530-A-C. GRCh37 (hg19) VCF-style: chr1-46714202-A-C.
Other names: c.22A>C, p.Ser8Arg (NM_001142548.2); c.-519A>C (NM_001370766.1); short protein forms S8R.
Identifiers: ClinVar variation 1789244 (VCV001789244.2), dbSNP rs2525626559, ClinGen allele CA340173951.
Genomic context (GRCh38, chr1:46,248,530, plus strand): 5'-TGCAGGATCCTTGCAGGCACTGTTTCTGTTCTCCCTTTACAGAGGAGGAGCTTGGCTCCC[A>C]GCCAGCTGGCCAAGAGAAAACCTGAAGGCAGGTCCTGTGATGATGAAGACTGGCAACCTG-3'
Protein context (NP_003570.2, residues 1-18): MRRSLAP[Ser8Arg]QLAKRKPEGR

ClinVar aggregate classification (germline): Uncertain significance (1 of 4 stars; one submission).

Submission:

Ambry Genetics
Classification: Uncertain significance. Last evaluated: 2022-05-24. Review status: criteria provided, single submitter. Criteria: Ambry Variant Classification Scheme 2023. Collection method: clinical testing. Allele origin: germline.
Comment: The p.S8R variant (also known as c.22A>C), located in coding exon 2 of the RAD54L gene, results from an A to C substitution at nucleotide position 22. The serine at codon 8 is replaced by arginine, an amino acid with dissimilar properties. This amino acid position is conserved. In addition, this alteration is predicted to be deleterious by in silico analysis. Since supporting evidence is limited at this time, the clinical significance of this alteration remains unclear.